The following is an entry in ClinVar:

ClinVar aggregate classification (germline): Uncertain significance. Review status: criteria provided, multiple submitters, no conflicts (2 of 4 stars). 3 submissions from 3 submitters: Uncertain significance (3). Last evaluated 2025-10-05.

Conditions:
Hereditary cancer-predisposing syndrome. Also called: Neoplastic Syndromes, Hereditary; Tumor predisposition; Hereditary Cancer Syndrome; Hereditary neoplastic syndrome. Identifiers: Orphanet 140162, MedGen C0027672, MeSH D009386, MONDO:0015356.
Colorectal cancer, susceptibility to, 12 (CRCS12). Also called: COLORECTAL CANCER, SUSCEPTIBILITY TO, ON CHROMOSOME 12q24. Identifiers: Orphanet 220460, MedGen C3554460, MONDO:0014038, OMIM 615083.

Submissions (3):

Ambry Genetics
Classification: Uncertain significance for Hereditary cancer-predisposing syndrome. Last evaluated: 2025-10-05. Review status: criteria provided, single submitter. Criteria: Ambry Variant Classification Scheme 2023. Collection method: clinical testing. Allele origin: germline.
Comment: The p.T308I variant (also known as c.923C>T), located in coding exon 10 of the POLE gene, results from a C to T substitution at nucleotide position 923. The threonine at codon 308 is replaced by isoleucine, an amino acid with similar properties. This amino acid position is conserved. In addition, the in silico prediction for this alteration is inconclusive. Based on the available evidence, the clinical significance of this variant remains unclear.

Labcorp Genetics (formerly Invitae), Labcorp
Classification: Uncertain significance. Last evaluated: 2024-11-12. Review status: criteria provided, single submitter. Criteria: Invitae Variant Classification Sherloc (09022015). Collection method: clinical testing. Allele origin: germline.
Comment: This sequence change replaces threonine, which is neutral and polar, with isoleucine, which is neutral and non-polar, at codon 308 of the POLE protein (p.Thr308Ile). This variant is not present in population databases (gnomAD no frequency). This variant has not been reported in the literature in individuals affected with POLE-related conditions. ClinVar contains an entry for this variant (Variation ID: 2677937). Invitae Evidence Modeling of protein sequence and biophysical properties (such as structural, functional, and spatial information, amino acid conservation, physicochemical variation, residue mobility, and thermodynamic stability) indicates that this missense variant is not expected to disrupt POLE protein function with a negative predictive value of 80%. In summary, the available evidence is currently insufficient to determine the role of this variant in disease. Therefore, it has been classified as a Variant of Uncertain Significance.

Baylor Genetics
Classification: Uncertain significance for Colorectal cancer, susceptibility to, 12. Last evaluated: 2023-06-01. Review status: criteria provided, single submitter. Criteria: ACMG Guidelines, 2015. Collection method: clinical testing. Allele origin: unknown.

NM_006231.4(POLE):c.923C>T (p.Thr308Ile)

Gene: POLE (DNA polymerase epsilon, catalytic subunit; minus strand). Cytogenetic location: 12q24.33.
Variant type: single nucleotide variant.
Coding change: c.923C>T on transcript NM_006231.4 (MANE Select); coding-DNA position 923, C replaced by T.
Protein change: p.Thr308Ile; replaces threonine 308 with isoleucine.
Molecular consequence: missense variant.
Genome position (GRCh38, 1-based): chr12:132,676,191, G>A on the plus strand (C>T on the coding strand, the complement: POLE is on the minus strand). VCF-style: chr12-132676191-G-A. GRCh37 (hg19) VCF-style: chr12-133252777-G-A.
Other names: c.923C>T (NM_006231.2); short protein forms T308I.
Identifiers: ClinVar variation 2677937 (VCV002677937.4), dbSNP rs2136014068, ClinGen allele CA387363938.